The following is an entry in ClinVar:

ClinVar aggregate classification (germline): Pathogenic (1 of 4 stars; one submission).

Conditions:
Tuberous sclerosis 2 (TSC2). Identifiers: Orphanet 805, MedGen C1860707, MONDO:0013199, OMIM 613254.

Submission:

Labcorp Genetics (formerly Invitae), Labcorp
Classification: Pathogenic for Tuberous sclerosis 2. Last evaluated: 2021-12-24. Review status: criteria provided, single submitter. Criteria: Invitae Variant Classification Sherloc (09022015). Collection method: clinical testing. Allele origin: germline.
Comment: This variant has not been reported in the literature in individuals affected with TSC2-related conditions. For these reasons, this variant has been classified as Pathogenic. This variant is not present in population databases (gnomAD no frequency). This sequence change creates a premature translational stop signal (p.Gly1306Alafs*19) in the TSC2 gene. It is expected to result in an absent or disrupted protein product. Loss-of-function variants in TSC2 are known to be pathogenic (PMID: 10205261, 17304050).

Literature cited by the submitters: PubMed 10205261; PubMed 17304050.

NM_000548.5(TSC2):c.3917del (p.Gly1306fs)

Gene: TSC2 (TSC complex subunit 2; plus strand). Cytogenetic location: 16p13.3.
Variant type: Deletion.
Coding change: c.3917del on transcript NM_000548.5 (MANE Select); coding-DNA position 3917, one base deleted (G; older notation c.3917delG).
Protein change: p.Gly1306fs; shifts the reading frame from glycine 1306.
Molecular consequence: frameshift variant.
Genome position (GRCh38, 1-based): chr16:2,083,728, G deleted; the last of 3 consecutive G bases (chr16:2,083,726-2,083,728); deleting any one gives the same sequence. VCF-style (leftmost placement, unchanged base first): chr16-2083725-CG-C. GRCh37 (hg19) VCF-style: chr16-2133726-CG-C.
Other names: c.3716del, p.Gly1239fs (NM_001077183.3); c.3848del, p.Gly1283fs (NM_001114382.3); c.3608del, p.Gly1203fs (NM_001318827.2); c.3572del, p.Gly1191fs (NM_001318829.2); c.3185del, p.Gly1062fs (NM_001318831.2); c.3749del, p.Gly1250fs (NM_001318832.2); c.3719del, p.Gly1240fs (NM_001363528.2); c.3785del, p.Gly1262fs (NM_001370404.1); and 26 more; short protein forms G1062fs, G1239fs, G1250fs, G1191fs, G1262fs, G1306fs, G1203fs, G1283fs.
Identifiers: ClinVar variation 2057813 (VCV002057813.4), dbSNP rs2544231243, ClinGen allele CA2580091055.